The following is an entry in ClinVar:

ClinVar aggregate classification (germline): Uncertain significance (1 of 4 stars; one submission).

Conditions:
Neuronal ceroid lipofuscinosis 1 (CLN1). Also called: CEROID LIPOFUSCINOSIS, NEURONAL, 1, VARIABLE AGE AT ONSET; PPT1-Related Neuronal Ceroid-Lipofuscinosis. Identifiers: Orphanet 228329, MedGen C1850451, MONDO:0009744, OMIM 256730.

gnomAD v4.1: 1 of 1,613,844 alleles (0.000062%); highest among the groups gnomAD compares: Admixed American, 0.0017%; no homozygotes.

Submission:

Labcorp Genetics (formerly Invitae), Labcorp
Classification: Uncertain significance for Neuronal ceroid lipofuscinosis 1. Last evaluated: 2025-03-31. Review status: criteria provided, single submitter. Criteria: Invitae Variant Classification Sherloc (09022015). Collection method: clinical testing. Allele origin: germline.
Comment: This sequence change replaces methionine, which is neutral and non-polar, with threonine, which is neutral and polar, at codon 57 of the PPT1 protein (p.Met57Thr). This variant is present in population databases (rs766489334, gnomAD 0.003%). This variant has not been reported in the literature in individuals affected with PPT1-related conditions. ClinVar contains an entry for this variant (Variation ID: 1424706). Invitae Evidence Modeling of protein sequence and biophysical properties (such as structural, functional, and spatial information, amino acid conservation, physicochemical variation, residue mobility, and thermodynamic stability) has been performed for this missense variant. However, the output from this modeling did not meet the statistical confidence thresholds required to predict the impact of this variant on PPT1 protein function. In summary, the available evidence is currently insufficient to determine the role of this variant in disease. Therefore, it has been classified as a Variant of Uncertain Significance.

NM_000310.4(PPT1):c.170T>C (p.Met57Thr)

Gene: PPT1 (palmitoyl-protein thioesterase 1; minus strand). Cytogenetic location: 1p34.2.
Variant type: single nucleotide variant.
Coding change: c.170T>C on transcript NM_000310.4 (MANE Select); coding-DNA position 170, T replaced by C.
Protein change: p.Met57Thr; replaces methionine 57 with threonine.
Molecular consequence: missense variant. On other transcripts: intron variant (1).
Genome position (GRCh38, 1-based): chr1:40,092,462, A>G on the plus strand (T>C on the coding strand, the complement: PPT1 is on the minus strand). VCF-style: chr1-40092462-A-G. GRCh37 (hg19) VCF-style: chr1-40558134-A-G.
Other names: c.170T>C, p.Met57Thr (NM_001363695.2); c.125-2950T>C (NM_001142604.2); short protein forms M57T.
Identifiers: ClinVar variation 1424706 (VCV001424706.6), dbSNP rs766489334, ClinGen allele CA789789.
Genomic context (GRCh38, chr1:40,092,462, plus strand): 5'-ATCAGGGTCTTCCCAATCTCTAAAGATAAGACGTAAATTCCAGGTATTTTCTTCTCCACC[A>G]TTTTTTTAATAGCACCCATGCTTAAGGGATTGCAACAGCTGTCTCCTAGCCAACAAAACA-3'
Protein context (NP_000301.1, residues 47-67): NPLSMGAIKK[Met57Thr]VEKKIPGIYV